The following is an entry in ClinVar:

NM_001283009.2(RTEL1):c.1021G>A (p.Val341Ile)

Genes: RTEL1 (regulator of telomere elongation helicase 1; plus strand), RTEL1-TNFRSF6B (RTEL1-TNFRSF6B readthrough (NMD candidate); plus strand). Cytogenetic location: 20q13.33.
Variant type: single nucleotide variant.
Coding change: c.1021G>A on transcript NM_001283009.2 (MANE Select); coding-DNA position 1021, G replaced by A.
Protein change: p.Val341Ile; replaces valine 341 with isoleucine.
Molecular consequence: missense variant. On other transcripts: non-coding transcript variant (1).
Genome position (GRCh38, 1-based): chr20:63,678,330, G>A. VCF-style: chr20-63678330-G-A. GRCh37 (hg19) VCF-style: chr20-62309683-G-A.
Other names: c.352G>A, p.Val118Ile (NM_001283010.1); c.1021G>A, p.Val341Ile (NM_016434.4); c.1093G>A, p.Val365Ile (NM_032957.5); short protein forms V365I, V118I, V341I.
Identifiers: ClinVar variation 4844073 (VCV004844073.1).

ClinVar aggregate classification (germline): Uncertain significance (1 of 4 stars; one submission).

Conditions:
Inborn genetic diseases. Identifiers: MedGen C0950123, MeSH D030342.

gnomAD v4.1: 5 of 1,612,528 alleles (0.00031%); highest among the groups gnomAD compares: Non-Finnish European, 0.00042%; no homozygotes.

Submission:

Ambry Genetics
Classification: Uncertain significance for Inborn genetic diseases. Last evaluated: 2025-12-22. Review status: criteria provided, single submitter. Criteria: Ambry Variant Classification Scheme 2023. Collection method: clinical testing. Allele origin: germline.
Comment: The p.V341I variant (also known as c.1021G>A), located in coding exon 11 of the RTEL1 gene, results from a G to A substitution at nucleotide position 1021. The valine at codon 341 is replaced by isoleucine, an amino acid with highly similar properties. This amino acid position is conserved. In addition, this alteration is predicted to be tolerated by in silico analysis. Based on the available evidence, the clinical significance of this variant remains unclear.